The following is an entry in ClinVar:

ClinVar aggregate classification (germline): Benign/Likely benign. Review status: criteria provided, multiple submitters, no conflicts (2 of 4 stars). 2 submissions from 2 submitters: Benign (1); Likely benign (1). Last evaluated 2026-08-01.

Conditions:
Pallister-Hall syndrome (PHS). Also called: HYPOTHALAMIC HAMARTOBLASTOMA, HYPOPITUITARISM, IMPERFORATE ANUS, AND POSTAXIAL POLYDACTYLY; GLI3-Related Pallister-Hall Syndrome. Identifiers: Orphanet 672, MedGen C0265220, MONDO:0007804, OMIM 146510.
Greig cephalopolysyndactyly syndrome (GCPS). Also called: GLI3-Related Greig Cephalopolysyndactyly Syndrome; POLYSYNDACTYLY WITH PECULIAR SKULL SHAPE; Greig syndrome. Identifiers: Orphanet 380, MedGen C0265306, MONDO:0008287, OMIM 175700.

Allele frequency attached by ClinVar (database versions not stated): gnomAD exomes 0.00001; TOPMed 0.00002; ExAC 0.00003; gnomAD 0.00005; 1000 Genomes Project 0.00060; 1000 Genomes Project 30x 0.00062.
gnomAD v4.1: 17 of 1,614,100 alleles (0.0011%); highest among the groups gnomAD compares: East Asian, 0.031%; no homozygotes.

Submissions (2):

CeGaT Center for Human Genetics Tuebingen
Classification: Likely benign. Last evaluated: 2026-08-01. Review status: criteria provided, single submitter. Criteria: CeGaT Center For Human Genetics Tuebingen Variant Classification Criteria Version 2. Collection method: clinical testing. Allele origin: germline. Affected: yes. Observed: 1 variant allele.
Comment: GLI3: BP4, BP7

Labcorp Genetics (formerly Invitae), Labcorp
Classification: Benign for Pallister-Hall syndrome; Greig cephalopolysyndactyly syndrome. Last evaluated: 2025-02-25. Review status: criteria provided, single submitter. Criteria: Invitae Variant Classification Sherloc (09022015). Collection method: clinical testing. Allele origin: germline.

NM_000168.6(GLI3):c.4710G>A (p.Ala1570=)

Gene: GLI3 (GLI family zinc finger 3; minus strand). Cytogenetic location: 7p14.1.
Variant type: single nucleotide variant.
Coding change: c.4710G>A on transcript NM_000168.6 (MANE Select); coding-DNA position 4710, G replaced by A.
Protein change: p.Ala1570=; no amino-acid change (alanine 1570 retained).
Molecular consequence: synonymous variant.
Genome position (GRCh38, 1-based): chr7:41,964,363, C>T on the plus strand (G>A on the coding strand, the complement: GLI3 is on the minus strand). VCF-style: chr7-41964363-C-T. GRCh37 (hg19) VCF-style: chr7-42003961-C-T.
Identifiers: ClinVar variation 2142454 (VCV002142454.5), dbSNP rs577522844, ClinGen allele CA4230066.